The following is an entry in ClinVar:

ClinVar aggregate classification (germline): Pathogenic (1 of 4 stars; one submission).

Conditions:
Familial intrahepatic cholestasis. Identifiers: Orphanet 284385, MedGen CN296401, MONDO:0017290.

Submission:

Genomenon, Inc
Classification: Pathogenic for Familial intrahepatic cholestasis. Last evaluated: 2026-04-14. Review status: criteria provided, single submitter. Criteria: Genomenon Sequence Variant Interpretation Standards - Updated. Collection method: curation. Allele origin: germline. Affected: yes.
Comment: ABCB11 p.Gly84TrpfsTer9 (c.249dup) is a frameshift variant that results in the production of a truncated protein which is predicted to undergo nonsense-mediated mRNA decay. This variant has been observed in at least one proband with an ABCB11-related disorder (PMID:19750581). It is absent or not present at a significant frequency in gnomAD. In conclusion, we classify ABCB11 p.Gly84TrpfsTer9 (c.249dup) as a pathogenic variant.

Literature cited by the submitters: PubMed 19750581.

NM_003742.4(ABCB11):c.249dup (p.Gly84fs)

Gene: ABCB11 (ATP binding cassette subfamily B member 11; minus strand). Cytogenetic location: 2q31.1.
Variant type: Duplication.
Coding change: c.249dup on transcript NM_003742.4 (MANE Select); coding-DNA position 249, one base duplicated (T; older notation c.249dupT).
Protein change: p.Gly84fs; shifts the reading frame from glycine 84.
Molecular consequence: frameshift variant.
Genome position (GRCh38, 1-based): chr2:169,013,412, A duplicated on the plus strand (T on the coding strand, the reverse complement: ABCB11 is on the minus strand); the first of 5 consecutive A bases (chr2:169,013,412-169,013,416); duplicating any one gives the same sequence. VCF-style (leftmost placement, unchanged base first): chr2-169013411-C-CA. GRCh37 (hg19) VCF-style: chr2-169869921-C-CA.
Other names: short protein forms G84fs.
Identifiers: ClinVar variation 4846033 (VCV004846033.1).